The following is an entry in ClinVar:

NM_001849.4(COL6A2):c.1672-24C>G

Gene: COL6A2 (collagen type VI alpha 2 chain; plus strand). Cytogenetic location: 21q22.3.
Variant type: single nucleotide variant.
Coding change: c.1672-24C>G on transcript NM_001849.4 (MANE Select); 24 bases into the intron before coding-DNA position 1672, C replaced by G.
Molecular consequence: intron variant.
Genome position (GRCh38, 1-based): chr21:46,124,627, C>G. VCF-style: chr21-46124627-C-G. GRCh37 (hg19) VCF-style: chr21-47544541-C-G.
Other names: c.1672-24C>G (NM_058175.3, NM_058174.3).
Identifiers: ClinVar variation 93916 (VCV000093916.9), dbSNP rs3746995, ClinGen allele CA147440.
Genomic context (GRCh38, chr21:46,124,627, plus strand): 5'-GTTGGGGACAGCACAGGGGGCCCTGCTGTGTGCAGGGACTGTCCCTGGGGCCACTGAAGC[C>G]CACCTGTTCTTGTTCCTTCTCAGGCGGATCCTGGTCCCCCTGGTGAGCCAGGCCCTCGGG-3'

ClinVar aggregate classification (germline): Benign. Review status: criteria provided, multiple submitters, no conflicts (2 of 4 stars). 7 submissions from 5 submitters: Benign (7). Last evaluated 2021-07-30.

Conditions:
Ullrich congenital muscular dystrophy 1A. Also called: Ullrich congenital muscular dystrophy 1; Intermediate COL6-RD. Identifiers: Orphanet 75840, MedGen C0410179, MONDO:0009681, OMIM 254090.
Myosclerosis. Also called: MYOPATHY, MYOSCLEROTIC; MYOSCLEROSIS, CONGENITAL, OF LOWENTHAL; Myosclerosis, congenital. Identifiers: Orphanet 289380, MedGen C1850671, MONDO:0009714, OMIM 255600.
Bethlem myopathy 1A. Also called: Bethlem myopathy 1; Bethlem Muscular Dystrophy; MYOPATHY, BENIGN CONGENITAL, WITH CONTRACTURES. Identifiers: Orphanet 610, MedGen CN029274, MONDO:0024530, OMIM 158810.

Allele frequency attached by ClinVar (database versions not stated): TOPMed 0.43667; 1000 Genomes Project 30x 0.39085; ESP Exome Variant Server 0.41401.
gnomAD v4.1: 780,826 of 1,610,766 alleles (48%); highest among the groups gnomAD compares: Admixed American, 63%; 195,012 homozygotes.

Submissions (7):

Genome-Nilou Lab
Classification: Benign for Myosclerosis. Last evaluated: 2021-07-30. Review status: criteria provided, single submitter. Criteria: ACMG Guidelines, 2015. Collection method: clinical testing. Allele origin: germline. Affected: no.

Genome-Nilou Lab
Classification: Benign for Bethlem myopathy 1A. Last evaluated: 2021-07-30. Review status: criteria provided, single submitter. Criteria: ACMG Guidelines, 2015. Collection method: clinical testing. Allele origin: germline. Affected: no.

Genome-Nilou Lab
Classification: Benign for Ullrich congenital muscular dystrophy 1A. Last evaluated: 2021-07-30. Review status: criteria provided, single submitter. Criteria: ACMG Guidelines, 2015. Collection method: clinical testing. Allele origin: germline. Affected: no.

GeneDx
Classification: Benign. Last evaluated: 2018-06-14. Review status: criteria provided, single submitter. Criteria: GeneDx Variant Classification (06012015). Collection method: clinical testing. Allele origin: germline. Affected: yes.
Comment: This variant is considered likely benign or benign based on one or more of the following criteria: it is a conservative change, it occurs at a poorly conserved position in the protein, it is predicted to be benign by multiple in silico algorithms, and/or has population frequency not consistent with disease.

Eurofins Ntd Llc (ga)
Classification: Benign. Last evaluated: 2012-11-16. Review status: criteria provided, single submitter. Criteria: EGL Classification Definitions 2015. Collection method: clinical testing. Allele origin: germline. Observed: 39 variant alleles, 27 heterozygotes, 12 homozygotes.

Breakthrough Genomics
Classification: Benign. Review status: criteria provided, single submitter. Criteria: ACMG Guidelines, 2015. Collection method: not provided. Allele origin: germline. Inheritance: Autosomal recessive inheritance. Affected: yes.

PreventionGenetics, part of Exact Sciences
Classification: Benign. Review status: criteria provided, single submitter. Criteria: ACMG Guidelines, 2015. Collection method: clinical testing. Allele origin: germline.